The following is an entry in ClinVar:

NM_004260.4(RECQL4):c.3153A>G (p.Ile1051Met)

Gene: RECQL4 (RecQ like helicase 4; minus strand). Cytogenetic location: 8q24.3.
Variant type: single nucleotide variant.
Coding change: c.3153A>G on transcript NM_004260.4 (MANE Select); coding-DNA position 3153, A replaced by G.
Protein change: p.Ile1051Met; replaces isoleucine 1051 with methionine.
Molecular consequence: missense variant.
Genome position (GRCh38, 1-based): chr8:144,512,227, T>C on the plus strand (A>G on the coding strand, the complement: RECQL4 is on the minus strand). VCF-style: chr8-144512227-T-C. GRCh37 (hg19) VCF-style: chr8-145737610-T-C.
Other names: short protein forms I1051M.
Identifiers: ClinVar variation 1319125 (VCV001319125.7), dbSNP rs2130659004, ClinGen allele CA372670215.
Genomic context (GRCh38, chr8:144,512,227, plus strand): 5'-GCGCAGACGGGCCAGGGCCTGGCGCTCCCGGGCCTGCACACGGCCATAGAGGAAGTCACA[T>C]ATCTGGTCCTTCTCCTCAGCGGTCAAGTCCCCCGGGCTGCGAAGGTGGAAGGCCAGCTCA-3'
Protein context (NP_004251.4, residues 1041-1061): GDLTAEEKDQ[Ile1051Met]CDFLYGRVQA

ClinVar aggregate classification (germline): Uncertain significance. Review status: criteria provided, multiple submitters, no conflicts (2 of 4 stars). 2 submissions from 2 submitters: Uncertain significance (2). Last evaluated 2022-09-06.

Conditions:
Baller-Gerold syndrome (BGS). Also called: CRANIOSYNOSTOSIS WITH RADIAL DEFECTS. Identifiers: Orphanet 1225, MedGen C0265308, MONDO:0009039, OMIM 218600.

Submissions (2):

Labcorp Genetics (formerly Invitae), Labcorp
Classification: Uncertain significance for Baller-Gerold syndrome. Last evaluated: 2022-09-06. Review status: criteria provided, single submitter. Criteria: Invitae Variant Classification Sherloc (09022015). Collection method: clinical testing. Allele origin: germline.
Comment: This variant is not present in population databases (gnomAD no frequency). In summary, the available evidence is currently insufficient to determine the role of this variant in disease. Therefore, it has been classified as a Variant of Uncertain Significance. Experimental studies and prediction algorithms are not available or were not evaluated, and the functional significance of this variant is currently unknown. ClinVar contains an entry for this variant (Variation ID: 1319125). This variant has not been reported in the literature in individuals affected with RECQL4-related conditions. This sequence change replaces isoleucine, which is neutral and non-polar, with methionine, which is neutral and non-polar, at codon 1051 of the RECQL4 protein (p.Ile1051Met).

Institute for Clinical Genetics, University Hospital TU Dresden, University Hospital TU Dresden
Classification: Uncertain significance. Last evaluated: 2021-11-03. Review status: criteria provided, single submitter. Criteria: ACMG Guidelines, 2015. Collection method: clinical testing. Allele origin: germline.